The following is an entry in ClinVar:

ClinVar aggregate classification (germline): Uncertain significance (1 of 4 stars; one submission).

Allele frequency attached by ClinVar (database versions not stated): gnomAD 0.00001; gnomAD exomes 0.00001; TOPMed 0.00001.
gnomAD v4.1: 18 of 1,614,082 alleles (0.0011%); highest among the groups gnomAD compares: Non-Finnish European, 0.0013%; no homozygotes.

Submission:

Labcorp Genetics (formerly Invitae), Labcorp
Classification: Uncertain significance. Last evaluated: 2021-02-18. Review status: criteria provided, single submitter. Criteria: Invitae Variant Classification Sherloc (09022015). Collection method: clinical testing. Allele origin: germline.
Comment: In summary, the available evidence is currently insufficient to determine the role of this variant in disease. Therefore, it has been classified as a Variant of Uncertain Significance. Advanced modeling of protein sequence and biophysical properties (such as structural, functional, and spatial information, amino acid conservation, physicochemical variation, residue mobility, and thermodynamic stability) performed at Invitae indicates that this missense variant is expected to disrupt ATP2B2 protein function. This variant has not been reported in the literature in individuals with ATP2B2-related conditions. This variant is not present in population databases (ExAC no frequency). This sequence change replaces proline with serine at codon 1008 of the ATP2B2 protein (p.Pro1008Ser). The proline residue is highly conserved and there is a moderate physicochemical difference between proline and serine.

NM_001001331.4(ATP2B2):c.3157C>T (p.Pro1053Ser)

Gene: ATP2B2 (ATPase plasma membrane Ca2+ transporting 2; minus strand). Cytogenetic location: 3p25.3.
Variant type: single nucleotide variant.
Coding change: c.3157C>T on transcript NM_001001331.4 (MANE Select); coding-DNA position 3157, C replaced by T.
Protein change: p.Pro1053Ser; replaces proline 1053 with serine.
Molecular consequence: missense variant.
Genome position (GRCh38, 1-based): chr3:10,340,322, G>A on the plus strand (C>T on the coding strand, the complement: ATP2B2 is on the minus strand). VCF-style: chr3-10340322-G-A. GRCh37 (hg19) VCF-style: chr3-10382006-G-A.
Other names: c.3022C>T, p.Pro1008Ser (NM_001330611.3, NM_001353564.1, NM_001363862.1 and 1 more transcripts); short protein forms P1008S, P1053S.
Identifiers: ClinVar variation 1469855 (VCV001469855.8), dbSNP rs1320953291, ClinGen allele CA351775769.